The following is an entry in ClinVar:

NM_001267550.2(TTN):c.69501T>C (p.Gly23167=)

Genes: TTN-AS1 (TTN antisense RNA 1; plus strand), TTN (titin; minus strand). Cytogenetic location: 2q31.2.
Variant type: single nucleotide variant.
Coding change: c.69501T>C on transcript NM_001267550.2 (MANE Select); coding-DNA position 69501, T replaced by C.
Protein change: p.Gly23167=; no amino-acid change (glycine 23167 retained).
Molecular consequence: synonymous variant.
Genome position (GRCh38, 1-based): chr2:178,576,743, A>G on the plus strand (T>C on the coding strand, the complement: TTN is on the minus strand). VCF-style: chr2-178576743-A-G. GRCh37 (hg19) VCF-style: chr2-179441470-A-G.
Other names: c.64578T>C, p.Gly21526= (NM_001256850.1); c.42306T>C, p.Gly14102= (NM_003319.4); c.61797T>C, p.Gly20599= (NM_133378.4); c.42681T>C, p.Gly14227= (NM_133432.3); c.42882T>C, p.Gly14294= (NM_133437.4).
Identifiers: ClinVar variation 1081150 (VCV001081150.11), dbSNP rs906660924, ClinGen allele CA61004120.

ClinVar aggregate classification (germline): Likely benign. Review status: criteria provided, multiple submitters, no conflicts (2 of 4 stars). 3 submissions from 3 submitters: Likely benign (3). Last evaluated 2026-07-25.

Conditions:
Cardiovascular phenotype. Identifiers: MedGen CN230736.
TTN-related disorder. Also called: TTN-related disorders; TTN-related condition; TTN-related disease.
Dilated cardiomyopathy 1G (CMD1G). Identifiers: Orphanet 154, MedGen C1858763, MONDO:0011400, OMIM 604145.
Autosomal recessive limb-girdle muscular dystrophy type 2J (LGMDR10). Also called: Limb-girdle muscular dystrophy, type 2J; MUSCULAR DYSTROPHY, LIMB-GIRDLE, AUTOSOMAL RECESSIVE 10. Identifiers: Orphanet 140922, MedGen C1837342, MONDO:0012127, OMIM 608807.

Allele frequency attached by ClinVar (database versions not stated): gnomAD exomes below 0.00001; TOPMed 0.00001; gnomAD 0.00002.
gnomAD v4.1: 8 of 1,613,328 alleles (0.0005%); highest among the groups gnomAD compares: African/African-American, 0.0013%; no homozygotes.

Submissions (3):

PreventionGenetics, part of Exact Sciences
Classification: Likely benign for TTN-related condition. Last evaluated: 2026-07-25. Review status: criteria provided, single submitter. Criteria: ACMG Guidelines, 2015. Collection method: clinical testing. Allele origin: germline.
Comment: This variant is classified as likely benign based on ACMG/AMP sequence variant interpretation guidelines (Richards et al. 2015 PMID: 25741868, with internal and published modifications).

Labcorp Genetics (formerly Invitae), Labcorp
Classification: Likely benign for Dilated cardiomyopathy 1G; Autosomal recessive limb-girdle muscular dystrophy type 2J. Last evaluated: 2025-12-15. Review status: criteria provided, single submitter. Criteria: Invitae Variant Classification Sherloc (09022015). Collection method: clinical testing. Allele origin: germline.

Ambry Genetics
Classification: Likely benign for Cardiovascular phenotype. Last evaluated: 2025-02-15. Review status: criteria provided, single submitter. Criteria: Ambry Variant Classification Scheme 2023. Collection method: clinical testing. Allele origin: germline.